The following is an entry in ClinVar:

NM_000059.4(BRCA2):c.4918C>T (p.His1640Tyr)

Gene: BRCA2 (BRCA2 DNA repair associated; plus strand). Cytogenetic location: 13q13.1.
Variant type: single nucleotide variant.
Coding change: c.4918C>T on transcript NM_000059.4 (MANE Select); coding-DNA position 4918, C replaced by T.
Protein change: p.His1640Tyr; replaces histidine 1640 with tyrosine.
Molecular consequence: missense variant.
Genome position (GRCh38, 1-based): chr13:32,339,273, C>T. VCF-style: chr13-32339273-C-T. GRCh37 (hg19) VCF-style: chr13-32913410-C-T.
Other names: short protein forms H1640Y.
Identifiers: ClinVar variation 433789 (VCV000433789.13), dbSNP rs765892492, ClinGen allele CA6940826.

ClinVar aggregate classification (germline): Conflicting classifications of pathogenicity. Review status: criteria provided, conflicting classifications (1 of 4 stars). 5 submissions from 5 submitters: Uncertain significance (3); Likely benign (1). 1 of the submissions does not count toward it. Last evaluated 2023-11-10.

Conditions:
Breast-ovarian cancer, familial, susceptibility to, 2 (BROVCA2). Also called: BRCA2 Hereditary Breast and Ovarian Cancer. Identifiers: Orphanet 145, MedGen C2675520, MONDO:0012933, OMIM 612555. Disease mechanism: loss of function.
Hereditary cancer-predisposing syndrome. Also called: Hereditary neoplastic syndrome; Tumor predisposition; Neoplastic Syndromes, Hereditary; Hereditary Cancer Syndrome. Identifiers: Orphanet 140162, MedGen C0027672, MeSH D009386, MONDO:0015356.
Hereditary breast ovarian cancer syndrome. Also called: BRCA1- and BRCA2-Associated Hereditary Breast and Ovarian Cancer; Hereditary breast and/or ovarian cancer syndrome; Hereditary breast and ovarian cancer; Hereditary breast and ovarian cancer syndrome; Hereditary breast and ovarian cancer syndrome (HBOC); Breast and ovarian cancer. Identifiers: Orphanet 145, MedGen C0677776, MeSH D061325, MONDO:0003582. Disease mechanism: loss of function.

Allele frequency attached by ClinVar (database versions not stated): gnomAD 0.00001; gnomAD exomes 0.00001; TOPMed 0.00001; ExAC 0.00002.

Submissions (5):

Labcorp Genetics (formerly Invitae), Labcorp
Classification: Uncertain significance for Hereditary breast ovarian cancer syndrome. Last evaluated: 2023-11-10. Review status: criteria provided, single submitter. Criteria: Invitae Variant Classification Sherloc (09022015). Collection method: clinical testing. Allele origin: germline.
Comment: This sequence change replaces histidine, which is basic and polar, with tyrosine, which is neutral and polar, at codon 1640 of the BRCA2 protein (p.His1640Tyr). This variant is present in population databases (rs765892492, gnomAD 0.01%). This variant has not been reported in the literature in individuals affected with BRCA2-related conditions. ClinVar contains an entry for this variant (Variation ID: 433789). Advanced modeling of protein sequence and biophysical properties (such as structural, functional, and spatial information, amino acid conservation, physicochemical variation, residue mobility, and thermodynamic stability) performed at Invitae indicates that this missense variant is not expected to disrupt BRCA2 protein function with a negative predictive value of 95%. In summary, the available evidence is currently insufficient to determine the role of this variant in disease. Therefore, it has been classified as a Variant of Uncertain Significance.

University of Washington Department of Laboratory Medicine, University of Washington
Classification: Likely benign for Hereditary cancer-predisposing syndrome. Last evaluated: 2023-03-23. Review status: criteria provided, single submitter. Criteria: Dines et al. (Genet Med. 2020). Collection method: curation. Allele origin: germline.
Comment: Missense variant in a coldspot region where missense variants are very unlikely to be pathogenic (PMID:31911673).

BRCA2 exon 11 coldspot. Reclassification based on statistical prior probability.

Ambry Genetics
Classification: Uncertain significance for Hereditary cancer-predisposing syndrome. Last evaluated: 2023-02-25. Review status: criteria provided, single submitter. Criteria: Ambry Variant Classification Scheme 2023. Collection method: clinical testing. Allele origin: germline.
Comment: The p.H1640Y variant (also known as c.4918C>T), located in coding exon 10 of the BRCA2 gene, results from a C to T substitution at nucleotide position 4918. The histidine at codon 1640 is replaced by tyrosine, an amino acid with similar properties. This amino acid position is not well conserved in available vertebrate species. In addition, this alteration is predicted to be tolerated by in silico analysis. Since supporting evidence is limited at this time, the clinical significance of this alteration remains unclear.

Color Diagnostics, LLC DBA Color Health
Classification: Uncertain significance for Hereditary cancer-predisposing syndrome. Last evaluated: 2019-04-19. Review status: criteria provided, single submitter. Criteria: ACMG Guidelines, 2015. Collection method: clinical testing. Allele origin: germline.

Department of Pathology and Laboratory Medicine, Sinai Health System
Classification: Uncertain significance for Breast-ovarian cancer, familial, susceptibility to, 2. Review status: no assertion criteria provided. Collection method: clinical testing. Allele origin: unknown. Affected: yes. Study: The Canadian Open Genetics Repository (COGR). Not counted in ClinVar's aggregate classification.
Comment: The p.His1640Tyr variant was not identified in the literature, nor was it identified in the dbSNP, NHLBI Exome Sequencing Project (Exome Variant Server), HGMD, LOVD, COSMIC, ClinVar, GeneInsight VariantWire, BIC or UMD. It was identified in the Exome Aggregation Consortium (ExAC) database (released Oct 20th, 2014) in 2 of 119390 chromosomes (frequency: 0.0000) (or 2/9704 individuals from a population of African individuals, and not in European (Non-Finnish), East Asian, Other, Latino, South Asian or European (Finnish) individuals. The p.His1640 residue is not conserved in all mammals and four out of five computational analyses (SIFT, AlignGVGD, BLOSUM, MutationTaster) do not suggest a high likelihood of impact to the protein. However, this information is not predictive enough to rule out pathogenicity. In summary, based on the above information, the clinical significance of this variant cannot be determined with certainty at this time. This variant is classified as a variant of unknown significance.